The following is an entry in ClinVar:

ClinVar aggregate classification (germline): Uncertain significance (1 of 4 stars; one submission).

gnomAD v4.1: 324 of 152,306 alleles (0.21%); highest among the groups gnomAD compares: Admixed American, 0.75%; 1 homozygote.

Submission:

Greenwood Genetic Center Diagnostic Laboratories, Greenwood Genetic Center
Classification: Uncertain significance. Last evaluated: 2022-03-21. Review status: criteria provided, single submitter. Criteria: ACMG Guidelines, 2015. Collection method: clinical testing. Allele origin: germline. Affected: yes.
Comment: BP4

NM_001211.6(BUB1B):c.1059-3653C>T

Gene: BUB1B (BUB1 mitotic checkpoint serine/threonine kinase B; plus strand). Cytogenetic location: 15q15.1.
Variant type: single nucleotide variant.
Coding change: c.1059-3653C>T on transcript NM_001211.6 (MANE Select); 3653 bases into the intron before coding-DNA position 1059, C replaced by T.
Molecular consequence: intron variant.
Genome position (GRCh38, 1-based): chr15:40,192,892, C>T. VCF-style: chr15-40192892-C-T. GRCh37 (hg19) VCF-style: chr15-40485093-C-T.
Identifiers: ClinVar variation 1676498 (VCV001676498.3), dbSNP rs185599777, ClinGen allele CA268788219.